The following is an entry in ClinVar:

NM_025114.4(CEP290):c.6645+6A>T

Gene: CEP290 (centrosomal protein 290; minus strand). Cytogenetic location: 12q21.32.
Variant type: single nucleotide variant.
Coding change: c.6645+6A>T on transcript NM_025114.4 (MANE Select); 6 bases into the intron after coding-DNA position 6645, A replaced by T.
Molecular consequence: intron variant.
Genome position (GRCh38, 1-based): chr12:88,059,892, T>A on the plus strand (A>T on the coding strand, the complement: CEP290 is on the minus strand). VCF-style: chr12-88059892-T-A. GRCh37 (hg19) VCF-style: chr12-88453669-T-A.
Identifiers: ClinVar variation 1413456 (VCV001413456.6), dbSNP rs765992358, ClinGen allele CA6711457.
Genomic context (GRCh38, chr12:88,059,892, plus strand): 5'-CAGTTTTTCCAAGAGGTATTAAGTAAAATAAAAATCAAAAGTTATAATCAGTCATAAAAG[T>A]CATACTTTTTTAAGTTCTTTACGAAGCCTTTCATTTTCAGCAATAATTTTTTCTGTGCCT-3'

ClinVar aggregate classification (germline): Uncertain significance (1 of 4 stars; one submission).

Conditions:
Joubert syndrome. Also called: CEREBELLOPARENCHYMAL DISORDER IV; JOUBERT-BOLTSHAUSER SYNDROME; Familial aplasia of the vermis. Identifiers: Orphanet 475, MedGen C5979921, MONDO:0018772.
Nephronophthisis. Also called: Juvenile Nephronophthisis. Identifiers: Orphanet 655, MedGen C0687120, MONDO:0019005, HP:0000090.
Meckel-Gruber syndrome. Also called: DYSENCEPHALIA SPLANCHNOCYSTICA; GRUBER SYNDROME; Dysencephalia splachnocystica. Identifiers: Orphanet 564, MedGen C0265215, MONDO:0018921.

Allele frequency attached by ClinVar (database versions not stated): gnomAD exomes below 0.00001 and 0.00001; gnomAD 0.00001; ExAC 0.00002.
gnomAD v4.1: 7 of 1,574,070 alleles (0.00044%); highest among the groups gnomAD compares: Non-Finnish European, 0.0006%; no homozygotes.

Submission:

Labcorp Genetics (formerly Invitae), Labcorp
Classification: Uncertain significance for Joubert syndrome; Meckel-Gruber syndrome; Nephronophthisis. Last evaluated: 2025-09-02. Review status: criteria provided, single submitter. Criteria: Invitae Variant Classification Sherloc (09022015). Collection method: clinical testing. Allele origin: germline.
Comment: This sequence change falls in intron 48 of the CEP290 gene. It does not directly change the encoded amino acid sequence of the CEP290 protein. It affects a nucleotide within the consensus splice site. This variant is present in population databases (rs765992358, gnomAD 0.003%). This variant has not been reported in the literature in individuals affected with CEP290-related conditions. ClinVar contains an entry for this variant (Variation ID: 1413456). Variants that disrupt the consensus splice site are a relatively common cause of aberrant splicing (PMID: 17576681, 9536098). Algorithms developed to predict the effect of sequence changes on RNA splicing suggest that this variant is not likely to affect RNA splicing. In summary, the available evidence is currently insufficient to determine the role of this variant in disease. Therefore, it has been classified as a Variant of Uncertain Significance.

Literature cited by the submitters: PubMed 17576681; PubMed 9536098.